The following is an entry in ClinVar:

NM_138694.4(PKHD1):c.12030G>T (p.Gln4010His)

Gene: PKHD1 (PKHD1 ciliary IPT domain containing fibrocystin/polyductin; minus strand). Cytogenetic location: 6p12.3.
Variant type: single nucleotide variant.
Coding change: c.12030G>T on transcript NM_138694.4 (MANE Select); coding-DNA position 12030, G replaced by T.
Protein change: p.Gln4010His; replaces glutamine 4010 with histidine.
Molecular consequence: missense variant.
Genome position (GRCh38, 1-based): chr6:51,619,276, C>A on the plus strand (G>T on the coding strand, the complement: PKHD1 is on the minus strand). VCF-style: chr6-51619276-C-A. GRCh37 (hg19) VCF-style: chr6-51484074-C-A.
Other names: short protein forms Q4010H.
Identifiers: ClinVar variation 4995992 (VCV004995992.1).

ClinVar aggregate classification (germline): Uncertain significance (1 of 4 stars; one submission).

Conditions:
PKHD1-related disorder. Also called: PKHD1-related condition.

Submission:

PreventionGenetics, part of Exact Sciences
Classification: Uncertain significance for PKHD1-related condition. Last evaluated: 2025-11-26. Review status: criteria provided, single submitter. Criteria: ACMG Guidelines, 2015. Collection method: clinical testing. Allele origin: germline.
Comment: The PKHD1 c.12030G>T variant is predicted to result in the amino acid substitution p.Gln4010His. To our knowledge, this variant has not been reported in the literature. This variant is reported in 0.0054% of alleles in individuals of East Asian descent in gnomAD. At this time, the clinical significance of this variant is uncertain due to the absence of conclusive functional and genetic evidence.